The following is an entry in ClinVar:

NM_017802.4(DNAAF5):c.2401C>G (p.Pro801Ala)

Gene: DNAAF5 (dynein axonemal assembly factor 5; plus strand). Cytogenetic location: 7p22.3.
Variant type: single nucleotide variant.
Coding change: c.2401C>G on transcript NM_017802.4 (MANE Select); coding-DNA position 2401, C replaced by G.
Protein change: p.Pro801Ala; replaces proline 801 with alanine.
Molecular consequence: missense variant. On other transcripts: non-coding transcript variant (1).
Genome position (GRCh38, 1-based): chr7:780,114, C>G. VCF-style: chr7-780114-C-G. GRCh37 (hg19) VCF-style: chr7-819751-C-G.
Other names: c.2401C>G (NM_017802.3); short protein forms P801A.
Identifiers: ClinVar variation 2140822 (VCV002140822.1), dbSNP rs995200421, ClinGen allele CA152356936.

ClinVar aggregate classification (germline): Uncertain significance. Review status: criteria provided, multiple submitters, no conflicts (2 of 4 stars). 2 submissions from 2 submitters: Uncertain significance (2). Last evaluated 2025-11-26.

Conditions:
Primary ciliary dyskinesia. Also called: Ciliary dyskinesia. Identifiers: Orphanet 244, MedGen C0008780, MONDO:0016575, HP:0012265.

Allele frequency attached by ClinVar (database versions not stated): gnomAD 0.00001; TOPMed 0.00001.
gnomAD v4.1: 14 of 1,614,008 alleles (0.00087%); highest among the groups gnomAD compares: Non-Finnish European, 0.0012%; no homozygotes.

Submissions (2):

Ambry Genetics
Classification: Uncertain significance for Primary ciliary dyskinesia. Last evaluated: 2025-11-26. Review status: criteria provided, single submitter. Criteria: Ambry Variant Classification Scheme 2023. Collection method: clinical testing. Allele origin: germline.

Labcorp Genetics (formerly Invitae), Labcorp
Classification: Uncertain significance for Primary ciliary dyskinesia. Last evaluated: 2022-07-15. Review status: criteria provided, single submitter. Criteria: Invitae Variant Classification Sherloc (09022015). Collection method: clinical testing. Allele origin: germline.
Comment: This sequence change replaces proline, which is neutral and non-polar, with alanine, which is neutral and non-polar, at codon 801 of the DNAAF5 protein (p.Pro801Ala). This variant is not present in population databases (gnomAD no frequency). This variant has not been reported in the literature in individuals affected with DNAAF5-related conditions. Algorithms developed to predict the effect of missense changes on protein structure and function are either unavailable or do not agree on the potential impact of this missense change (SIFT: "Tolerated"; PolyPhen-2: "Possibly Damaging"; Align-GVGD: "Class C0"). In summary, the available evidence is currently insufficient to determine the role of this variant in disease. Therefore, it has been classified as a Variant of Uncertain Significance.